The following is an entry in ClinVar:

NM_000219.6(KCNE1):c.186G>C (p.Met62Ile)

Gene: KCNE1 (potassium voltage-gated channel subfamily E regulatory subunit 1; minus strand). Cytogenetic location: 21q22.12.
Variant type: single nucleotide variant.
Coding change: c.186G>C on transcript NM_000219.6 (MANE Select); coding-DNA position 186, G replaced by C.
Protein change: p.Met62Ile; replaces methionine 62 with isoleucine.
Molecular consequence: missense variant.
Genome position (GRCh38, 1-based): chr21:34,449,449, C>G on the plus strand (G>C on the coding strand, the complement: KCNE1 is on the minus strand). VCF-style: chr21-34449449-C-G. GRCh37 (hg19) VCF-style: chr21-35821747-C-G.
Other names: c.186G>C, p.Met62Ile (NM_001127668.4, NM_001127669.4, NM_001127670.4 and 4 more transcripts); short protein forms M62I.
Identifiers: ClinVar variation 3374275 (VCV003374275.2).

Conditions:
Long QT syndrome 5 (LQT5). Identifiers: Orphanet 101016, Orphanet 768, MedGen C1867904, MONDO:0013372, OMIM 613695.

Submission:

Roden Lab, Vanderbilt University Medical Center
No classification provided (evidence only). Condition: Long QT syndrome 5. Review status: no classification provided. Collection method: in vitro. Allele origin: not applicable. Functional consequence: Effect on ion channel function.
ClinVar note: "not provided" was previously submitted as the classification for the variant. However, the classification appeared to be based only on an observation of functional data so it was converted to no classification on 2025-07-30.